The following is an entry in ClinVar:

ClinVar aggregate classification (germline): Pathogenic (1 of 4 stars; one submission).

Allele frequency attached by ClinVar (database versions not stated): TOPMed below 0.00001.

Submission:

Labcorp Genetics (formerly Invitae), Labcorp
Classification: Pathogenic. Last evaluated: 2023-12-20. Review status: criteria provided, single submitter. Criteria: Invitae Variant Classification Sherloc (09022015). Collection method: clinical testing. Allele origin: germline.
Comment: This sequence change creates a premature translational stop signal (p.Gln742*) in the XPC gene. It is expected to result in an absent or disrupted protein product. Loss-of-function variants in XPC are known to be pathogenic (PMID: 23173980, 25256075). This variant is not present in population databases (gnomAD no frequency). This variant has not been reported in the literature in individuals affected with XPC-related conditions. ClinVar contains an entry for this variant (Variation ID: 1074604). For these reasons, this variant has been classified as Pathogenic.

Literature cited by the submitters: PubMed 23173980; PubMed 25256075.

NM_004628.5(XPC):c.2224C>T (p.Gln742Ter)

Gene: XPC (XPC complex subunit, DNA damage recognition and repair factor; minus strand). Cytogenetic location: 3p25.1.
Variant type: single nucleotide variant.
Coding change: c.2224C>T on transcript NM_004628.5 (MANE Select); coding-DNA position 2224, C replaced by T.
Protein change: p.Gln742Ter; replaces glutamine 742 with a stop codon.
Molecular consequence: nonsense. On other transcripts: non-coding transcript variant (2).
Genome position (GRCh38, 1-based): chr3:14,148,840, G>A on the plus strand (C>T on the coding strand, the complement: XPC is on the minus strand). VCF-style: chr3-14148840-G-A. GRCh37 (hg19) VCF-style: chr3-14190340-G-A.
Other names: c.1645C>T, p.Gln549Ter (NM_001354726.2); c.2218C>T, p.Gln740Ter (NM_001354727.2); c.2206C>T, p.Gln736Ter (NM_001354729.2); c.1978C>T, p.Gln660Ter (NM_001354730.2); short protein forms Q549*, Q660*, Q736*, Q740*, Q742*.
Identifiers: ClinVar variation 1074604 (VCV001074604.7), dbSNP rs1695562119, ClinGen allele CA351538064.
Genomic context (GRCh38, chr3:14,148,840, plus strand): 5'-GCCTGGTCCTGAGCCCTTCTGATGCTGCCCTTACCTTCCCGTCCACGGCCACTGGGGGCT[G>A]ATACTCCTCTGTCTGCCAGTAGCCAAACAGGCCCAGGTCATTTTCTTCCCGCAGCTGGGG-3'